The following is an entry in ClinVar:

ClinVar aggregate classification (germline): Benign (1 of 4 stars; one submission).

Conditions:
Melanoma-pancreatic cancer syndrome. Identifiers: Orphanet 404560, MedGen C1838547, MONDO:0011713, OMIM 606719. Disease mechanism: loss of function.

Submission:

Myriad Genetics, Inc.
Classification: Benign for Melanoma-pancreatic cancer syndrome. Last evaluated: 2025-08-12. Review status: criteria provided, single submitter. Criteria: Myriad Autosomal Dominant, Autosomal Recessive and X-Linked Classification Criteria (2023). Collection method: clinical testing. Allele origin: unknown.
Comment: This variant is considered benign. This variant is a silent/synonymous amino acid change and it is not expected to impact splicing.

NM_058195.4(CDKN2A):c.183T>C (p.Pro61=)

Gene: CDKN2A (cyclin dependent kinase inhibitor 2A; minus strand). Cytogenetic location: 9p21.3.
Variant type: single nucleotide variant.
Coding change: c.183T>C on transcript NM_058195.4 (MANE Plus Clinical); coding-DNA position 183, T replaced by C.
Protein change: p.Pro61=; no amino-acid change (proline 61 retained).
Molecular consequence: synonymous variant. On other transcripts: intron variant (1).
Genome position (GRCh38, 1-based): chr9:21,994,149, A>G on the plus strand (T>C on the coding strand, the complement: CDKN2A is on the minus strand). VCF-style: chr9-21994149-A-G. GRCh37 (hg19) VCF-style: chr9-21994148-A-G.
Other names: c.-4+672T>C (NM_001363763.2).
Identifiers: ClinVar variation 4294103 (VCV004294103.1).